The following is an entry in ClinVar:

NM_001256071.3(RNF213):c.13927C>T (p.His4643Tyr)

Genes: RNF213 (ring finger protein 213; plus strand), RNF213-AS1 (RNF213 antisense RNA 1; minus strand). Cytogenetic location: 17q25.3.
Variant type: single nucleotide variant.
Coding change: c.13927C>T on transcript NM_001256071.3 (MANE Select); coding-DNA position 13927, C replaced by T.
Protein change: p.His4643Tyr; replaces histidine 4643 with tyrosine.
Molecular consequence: missense variant.
Genome position (GRCh38, 1-based): chr17:80,381,676, C>T. VCF-style: chr17-80381676-C-T. GRCh37 (hg19) VCF-style: chr17-78355476-C-T.
Other names: c.14074C>T, p.His4692Tyr (NM_001410195.1, NM_020914.5); short protein forms H4643Y, H4692Y.
Identifiers: ClinVar variation 3381552 (VCV003381552.1).
Genomic context (GRCh38, chr17:80,381,676, plus strand): 5'-GACCTGGAGCAGTTGGCCAAGATGCTGGGACACAGTGCCGACGAGACCATCGGCGTGGTC[C>T]ACCTCGTCCTGCGCAGGCTTCTCCAAGAGCAGCACCAGCTCTCTAGCAGAAGTGAGGAAA-3'
Protein context (NP_001243000.2, residues 4633-4653): HSADETIGVV[His4643Tyr]LVLRRLLQEQ

ClinVar aggregate classification (germline): Uncertain significance (1 of 4 stars; one submission).

Submission:

GeneDx
Classification: Uncertain significance. Last evaluated: 2024-05-20. Review status: criteria provided, single submitter. Criteria: GeneDx Variant Classification Process June 2021. Collection method: clinical testing. Allele origin: germline. Affected: yes.
Comment: Not observed at significant frequency in large population cohorts (gnomAD); In silico analysis supports that this missense variant has a deleterious effect on protein structure/function; Has not been previously published as pathogenic or benign to our knowledge